The following is an entry in ClinVar:

ClinVar aggregate classification (germline): Uncertain significance. Review status: criteria provided, multiple submitters, no conflicts (2 of 4 stars). 2 submissions from 2 submitters: Uncertain significance (2). Last evaluated 2025-07-22.

Conditions:
Cardiovascular phenotype. Identifiers: MedGen CN230736.
Brugada syndrome 8 (BRGDA8). Identifiers: Orphanet 130, MedGen C2751083, MONDO:0013148, OMIM 613123.

Allele frequency attached by ClinVar (database versions not stated): gnomAD 0.00001.
gnomAD v4.1: 3 of 1,593,436 alleles (0.00019%); highest among the groups gnomAD compares: African/African-American, 0.0013%; no homozygotes.

Submissions (2):

Labcorp Genetics (formerly Invitae), Labcorp
Classification: Uncertain significance for Brugada syndrome 8. Last evaluated: 2025-07-22. Review status: criteria provided, single submitter. Criteria: Invitae Variant Classification Sherloc (09022015). Collection method: clinical testing. Allele origin: germline.
Comment: This sequence change replaces proline, which is neutral and non-polar, with serine, which is neutral and polar, at codon 809 of the HCN4 protein (p.Pro809Ser). This variant is not present in population databases (gnomAD no frequency). This variant has not been reported in the literature in individuals affected with HCN4-related conditions. ClinVar contains an entry for this variant (Variation ID: 2179515). Invitae Evidence Modeling of protein sequence and biophysical properties (such as structural, functional, and spatial information, amino acid conservation, physicochemical variation, residue mobility, and thermodynamic stability) indicates that this missense variant is not expected to disrupt HCN4 protein function with a negative predictive value of 95%. In summary, the available evidence is currently insufficient to determine the role of this variant in disease. Therefore, it has been classified as a Variant of Uncertain Significance.

Ambry Genetics
Classification: Uncertain significance for Cardiovascular phenotype. Last evaluated: 2024-12-07. Review status: criteria provided, single submitter. Criteria: Ambry Variant Classification Scheme 2023. Collection method: clinical testing. Allele origin: germline.
Comment: The p.P809S variant (also known as c.2425C>T), located in coding exon 8 of the HCN4 gene, results from a C to T substitution at nucleotide position 2425. The proline at codon 809 is replaced by serine, an amino acid with similar properties. This amino acid position is conserved. In addition, this alteration is predicted to be tolerated by in silico analysis. Based on the available evidence, the clinical significance of this variant remains unclear.

NM_005477.3(HCN4):c.2425C>T (p.Pro809Ser)

Gene: HCN4 (hyperpolarization activated cyclic nucleotide gated potassium channel 4; minus strand). Cytogenetic location: 15q24.1.
Variant type: single nucleotide variant.
Coding change: c.2425C>T on transcript NM_005477.3 (MANE Select); coding-DNA position 2425, C replaced by T.
Protein change: p.Pro809Ser; replaces proline 809 with serine.
Molecular consequence: missense variant.
Genome position (GRCh38, 1-based): chr15:73,323,668, G>A on the plus strand (C>T on the coding strand, the complement: HCN4 is on the minus strand). VCF-style: chr15-73323668-G-A. GRCh37 (hg19) VCF-style: chr15-73616009-G-A.
Other names: c.2425C>T (NM_005477.2); short protein forms P809S.
Identifiers: ClinVar variation 2179515 (VCV002179515.5), dbSNP rs2042879511, ClinGen allele CA393088916.